The following is an entry in ClinVar:

ClinVar aggregate classification (germline): Pathogenic (1 of 4 stars; one submission).

Submission:

Labcorp Genetics (formerly Invitae), Labcorp
Classification: Pathogenic. Last evaluated: 2025-12-16. Review status: criteria provided, single submitter. Criteria: Invitae Variant Classification Sherloc (09022015). Collection method: clinical testing. Allele origin: germline.
Comment: This sequence change creates a premature translational stop signal (p.Leu150*) in the CTNNA1 gene. It is expected to result in an absent or disrupted protein product. Loss-of-function variants in CTNNA1 are known to be pathogenic (PMID: 32051609, 34425242). This variant is not present in population databases (gnomAD no frequency). This variant has not been reported in the literature in individuals affected with CTNNA1-related conditions. For these reasons, this variant has been classified as Pathogenic.

Literature cited by the submitters: PubMed 32051609; PubMed 34425242.

NM_001903.5(CTNNA1):c.449T>A (p.Leu150Ter)

Gene: CTNNA1 (catenin alpha 1; plus strand). Cytogenetic location: 5q31.2.
Variant type: single nucleotide variant.
Coding change: c.449T>A on transcript NM_001903.5 (MANE Select); coding-DNA position 449, T replaced by A.
Protein change: p.Leu150Ter; replaces leucine 150 with a stop codon.
Molecular consequence: nonsense.
Genome position (GRCh38, 1-based): chr5:138,810,185, T>A. VCF-style: chr5-138810185-T-A. GRCh37 (hg19) VCF-style: chr5-138145874-T-A.
Other names: c.449T>A, p.Leu150Ter (NM_001290307.3, NM_001323982.2, NM_001323983.1 and 3 more transcripts); c.140T>A, p.Leu47Ter (NM_001290309.3); c.80T>A, p.Leu27Ter (NM_001290310.3); short protein forms L150*, L47*, L27*.
Identifiers: ClinVar variation 4733361 (VCV004733361.1).
Genomic context (GRCh38, chr5:138,810,185, plus strand): 5'-CTTTGCTCTCTGCTGTTACCCGGTTGCTGATTTTGGCTGACATGGCAGATGTCTACAAAT[T>A]ACTTGTTCAGCTGAAAGTTGTAAGTATACAGGCCTATGTCTGTAATTTGTTCTATCACAG-3'